The following is an entry in ClinVar:

NM_198565.3(NRROS):c.1960G>A (p.Val654Met)

Gene: NRROS (negative regulator of reactive oxygen species; plus strand). Cytogenetic location: 3q29.
Variant type: single nucleotide variant.
Coding change: c.1960G>A on transcript NM_198565.3 (MANE Select); coding-DNA position 1960, G replaced by A.
Protein change: p.Val654Met; replaces valine 654 with methionine.
Molecular consequence: missense variant.
Genome position (GRCh38, 1-based): chr3:196,661,603, G>A. VCF-style: chr3-196661603-G-A. GRCh37 (hg19) VCF-style: chr3-196388474-G-A.
Other names: p.Val654Met; short protein forms V654M.
Identifiers: ClinVar variation 2227486 (VCV002227486.3), dbSNP rs142890318, ClinGen allele CA2782023.
Genomic context (GRCh38, chr3:196,661,603, plus strand): 5'-CCCGGAGGTGTGCCTCGGGACTGCAAGTGGGAGCGGCTGGACCTGGGCCTGCTCTACCTC[G>A]TGCTCATCCTCCCCAGCTGCCTCACCCTGCTGGTGGCCTGCACTGTCATCGTCCTCACTT-3'
Protein context (NP_940967.1, residues 644-664): ERLDLGLLYL[Val654Met]LILPSCLTLL

ClinVar aggregate classification (germline): Likely benign. Review status: criteria provided, multiple submitters, no conflicts (2 of 4 stars). 2 submissions from 2 submitters: Likely benign (2). Last evaluated 2025-10-07.

Conditions:
Inborn genetic diseases. Identifiers: MedGen C0950123, MeSH D030342.

Allele frequency attached by ClinVar (database versions not stated): 1000 Genomes Project 30x 0.00031; gnomAD 0.00052; 1000 Genomes Project 0.00040; ESP Exome Variant Server 0.00077.
gnomAD v4.1: 229 of 1,613,564 alleles (0.014%); highest among the groups gnomAD compares: African/African-American, 0.16%; no homozygotes.

Submissions (2):

Mayo Clinic Laboratories, Mayo Clinic
Classification: Likely benign. Last evaluated: 2025-10-07. Review status: criteria provided, single submitter. Criteria: ACMG Guidelines, 2015. Collection method: clinical testing. Allele origin: germline. Observed: 1 variant allele.
Comment: BS1, BP4_moderate

Ambry Genetics
Classification: Likely benign for Inborn genetic diseases. Last evaluated: 2021-11-05. Review status: criteria provided, single submitter. Criteria: Ambry Variant Classification Scheme 2023. Collection method: clinical testing. Allele origin: germline.